The following is an entry in ClinVar:

ClinVar aggregate classification (germline): Pathogenic (1 of 4 stars; one submission).

Conditions:
Mucopolysaccharidosis, MPS-II (MPS2). Also called: Hunter Syndrome; IDURONATE 2-SULFATASE DEFICIENCY; Mucopolysaccharidosis Type II; Mucopolysaccharidosis type 2; Attenuated MPS (subtype; formerly known as mild MPS II); Severe MPS II. Identifiers: Orphanet 580, Orphanet 79388, MedGen C0026705, MONDO:0010674, OMIM 309900.

Submission:

Laboratory of Diagnosis and Therapy of Lysosomal Disorders, University of Padova
Classification: Pathogenic for Mucopolysaccharidosis, MPS-II. Last evaluated: 2024-06-07. Review status: criteria provided, single submitter. Criteria: ACMG Guidelines, 2015. Collection method: literature only. Allele origin: germline. Affected: yes. Observed: 3 variant alleles.
Comment: Absent from controls (or at low frequency) in gnomAD database (PM2_Moderate), Cosegregation with disease in multiple affected family members (PP1_Moderate), Missense variant in a gene with a low rate of benign missense variation (PP2_Supporting), Multiple lines of computational evidence support a deleterious effect (PP3_Supporting), Patient’s phenotype or family history highly specific for the disease (PP4_Strong)

Classification method: ACMG Guidelines [PMID:25741868] with modifications

Literature cited by the submitters: PubMed 23430829.

NM_000202.8(IDS):c.454A>G (p.Ser152Gly)

Genes: IDS (iduronate 2-sulfatase; minus strand), LOC106050102 (IDS recombination region; plus strand). Cytogenetic location: Xq28.
Variant type: single nucleotide variant.
Coding change: c.454A>G on transcript NM_000202.8 (MANE Select); coding-DNA position 454, A replaced by G.
Protein change: p.Ser152Gly; replaces serine 152 with glycine.
Molecular consequence: missense variant. On other transcripts: non-coding transcript variant (1).
Genome position (GRCh38, 1-based): chrX:149,501,002, T>C on the plus strand (A>G on the coding strand, the complement: IDS is on the minus strand). VCF-style: chrX-149501002-T-C. GRCh37 (hg19) VCF-style: chrX-148582533-T-C.
Other names: c.184A>G, p.Ser62Gly (NM_001166550.4); c.454A>G, p.Ser152Gly (NM_006123.5); short protein forms S152G, S62G.
Identifiers: ClinVar variation 3255736 (VCV003255736.2).